The following is an entry in ClinVar:

NM_000059.4(BRCA2):c.-54G>A

Genes: BRCA2 (BRCA2 DNA repair associated; plus strand), LOC106721785 (BRCA2 promoter/silencer region; plus strand). Cytogenetic location: 13q13.1.
Variant type: single nucleotide variant.
Coding change: c.-54G>A on transcript NM_000059.4 (MANE Select); 54 bases upstream of the start codon, G replaced by A.
Molecular consequence: 5 prime UTR variant.
Genome position (GRCh38, 1-based): chr13:32,315,653, G>A. VCF-style: chr13-32315653-G-A. GRCh37 (hg19) VCF-style: chr13-32889790-G-A.
Identifiers: ClinVar variation 1400968 (VCV001400968.6), dbSNP rs1209443446, ClinGen allele CA697323855.

ClinVar aggregate classification (germline): Uncertain significance (1 of 4 stars; one submission).

Conditions:
Hereditary breast ovarian cancer syndrome. Also called: Hereditary breast and ovarian cancer; Hereditary breast and ovarian cancer syndrome; Breast and ovarian cancer; BRCA1- and BRCA2-Associated Hereditary Breast and Ovarian Cancer; Hereditary breast and ovarian cancer syndrome (HBOC); Hereditary breast and/or ovarian cancer syndrome. Identifiers: Orphanet 145, MedGen C0677776, MeSH D061325, MONDO:0003582. Disease mechanism: loss of function.

Allele frequency attached by ClinVar (database versions not stated): TOPMed below 0.00001.

Submission:

Labcorp Genetics (formerly Invitae), Labcorp
Classification: Uncertain significance for Hereditary breast ovarian cancer syndrome. Last evaluated: 2025-10-23. Review status: criteria provided, single submitter. Criteria: Invitae Variant Classification Sherloc (09022015). Collection method: clinical testing. Allele origin: germline.
Comment: This variant occurs in a non-coding region of the BRCA2 gene. It does not change the encoded amino acid sequence of the BRCA2 protein. This variant is not present in population databases (gnomAD no frequency). This variant has not been reported in the literature in individuals affected with BRCA2-related conditions. ClinVar contains an entry for this variant (Variation ID: 1400968). Experimental studies and prediction algorithms are not available or were not evaluated, and the functional significance of this variant is currently unknown. In summary, the available evidence is currently insufficient to determine the role of this variant in disease. Therefore, it has been classified as a Variant of Uncertain Significance.